The following is an entry in ClinVar:

ClinVar aggregate classification (germline): Benign/Likely benign. Review status: criteria provided, multiple submitters, no conflicts (2 of 4 stars). 7 submissions from 7 submitters: Benign (1); Likely benign (5). 1 of the submissions does not count toward it. Last evaluated 2025-12-24.

Conditions:
MLH3-related disorder. Also called: MLH3-related condition.
Endometrial carcinoma. Also called: Endometrial carcinoma, somatic. Identifiers: MedGen C0476089, MONDO:0002447, OMIM 608089, HP:0012114.
Colorectal cancer, hereditary nonpolyposis, type 7. Identifiers: Orphanet 144, MedGen C1858380, MONDO:0013725, OMIM 614385.
Colorectal cancer. Also called: Colorectal cancer, somatic; Malignant Colorectal Neoplasm. Identifiers: MedGen C0346629, MONDO:0005575, OMIM 114500.

Allele frequency attached by ClinVar (database versions not stated): gnomAD exomes 0.00012 and 0.00035; 1000 Genomes Project 0.00020; ExAC 0.00040; 1000 Genomes Project 30x 0.00062; ESP Exome Variant Server 0.00123; gnomAD 0.00147 and 0.00160; TOPMed 0.00163.
gnomAD v4.1: 408 of 1,614,176 alleles (0.025%); highest among the groups gnomAD compares: African/African-American, 0.49%; 1 homozygote.

Submissions (7):

Labcorp Genetics (formerly Invitae), Labcorp
Classification: Benign for Colorectal cancer, hereditary nonpolyposis, type 7. Last evaluated: 2025-12-24. Review status: criteria provided, single submitter. Criteria: Invitae Variant Classification Sherloc (09022015). Collection method: clinical testing. Allele origin: germline.

Department of Pathology and Laboratory Medicine, Sinai Health System
Classification: Likely benign for Colorectal cancer; Endometrial carcinoma; Colorectal cancer, hereditary nonpolyposis, type 7. Last evaluated: 2023-03-28. Review status: criteria provided, single submitter. Criteria: ACMG Guidelines, 2015. Collection method: clinical testing. Allele origin: germline. Affected: yes.

Blueprint Genetics
Classification: Likely benign. Last evaluated: 2022-07-17. Review status: criteria provided, single submitter. Criteria: ACMG Guidelines, 2015. Collection method: clinical testing. Allele origin: germline.

Ambry Genetics
Classification: Likely benign. Last evaluated: 2020-06-25. Review status: criteria provided, single submitter. Criteria: Ambry Variant Classification Scheme 2023. Collection method: clinical testing. Allele origin: germline.

Illumina Laboratory Services, Illumina
Classification: Likely benign for Colorectal cancer, hereditary nonpolyposis, type 7. Last evaluated: 2018-01-12. Review status: criteria provided, single submitter. Criteria: ICSL Variant Classification Criteria 13 December 2019. Collection method: clinical testing. Allele origin: germline.
Comment: This variant was observed in the ICSL laboratory as part of a predisposition screen in an ostensibly healthy population. It had not been previously curated by ICSL or reported in the Human Gene Mutation Database (HGMD: prior to June 1st, 2018), and was therefore a candidate for classification through an automated scoring system. Utilizing variant allele frequency, disease prevalence and penetrance estimates, and inheritance mode, an automated score was calculated to assess if this variant is too frequent to cause the disease. Based on the score and internal cut-off values, a variant classified as likely benign is not then subjected to further curation. The score for this variant resulted in a classification of likely benign for this disease.

Breakthrough Genomics
Classification: Likely benign. Review status: criteria provided, single submitter. Criteria: ACMG Guidelines, 2015. Collection method: not provided. Allele origin: germline. Inheritance: Autosomal dominant inheritance. Affected: yes.

PreventionGenetics, part of Exact Sciences
Classification: Benign for MLH3-related condition. Last evaluated: 2020-01-06. Review status: no assertion criteria provided. Collection method: clinical testing. Allele origin: germline. Not counted in ClinVar's aggregate classification.
Comment: This variant is classified as benign based on ACMG/AMP sequence variant interpretation guidelines (Richards et al. 2015 PMID: 25741868, with internal and published modifications).

NM_001040108.2(MLH3):c.2924A>G (p.Asn975Ser)

Gene: MLH3 (mutL homolog 3; minus strand). Cytogenetic location: 14q24.3.
Variant type: single nucleotide variant.
Coding change: c.2924A>G on transcript NM_001040108.2 (MANE Select); coding-DNA position 2924, A replaced by G.
Protein change: p.Asn975Ser; replaces asparagine 975 with serine.
Molecular consequence: missense variant.
Genome position (GRCh38, 1-based): chr14:75,046,732, T>C on the plus strand (A>G on the coding strand, the complement: MLH3 is on the minus strand). VCF-style: chr14-75046732-T-C. GRCh37 (hg19) VCF-style: chr14-75513435-T-C.
Other names: c.2924A>G, p.Asn975Ser (NM_014381.3); short protein forms N975S.
Identifiers: ClinVar variation 238247 (VCV000238247.25), dbSNP rs141066164, ClinGen allele CA7275615.